The following is an entry in ClinVar:

ClinVar aggregate classification (germline): Likely pathogenic (0 of 4 stars; one submission).

Conditions:
COL1A1-related disorder. Also called: COL1A1- related disease; COL1A1-related condition.

Submission:

PreventionGenetics, part of Exact Sciences
Classification: Likely pathogenic for COL1A1-related condition. Last evaluated: 2023-11-22. Review status: no assertion criteria provided. Collection method: clinical testing. Allele origin: germline.
Comment: The COL1A1 c.904G>C variant is predicted to result in the amino acid substitution p.Gly302Arg. To our knowledge, this variant has not been reported in the literature or in a large population database, indicating this variant is rare. This variant is located in the conserved Gly-Xaa-Yaa triple helical domain where substitutions of a glycine are usually pathogenic (Residues 179-1192; Legacy nomenclature in Marini et al. 2007. PubMed ID: 17078022 indicates amino acids 1-1012; Symoens. 2014. PubMed ID: 25146735). An alternate nucleotide change affecting the same amino acid (p.Gly302Asp) in an individual with osteogenesis imperfecta IV (Fig. 1, Holtz et al. 2023. PubMed ID: 36709916 ). The c.904G>C (p.Gly302Arg) variant is interpreted as likely pathogenic.

NM_000088.4(COL1A1):c.904G>C (p.Gly302Arg)

Genes: COL1A1 (collagen type I alpha 1 chain; minus strand), LOC126862586 (CDK7 strongly-dependent group 2 enhancer GRCh37_chr17:48273702-48274901; plus strand). Cytogenetic location: 17q21.33.
Variant type: single nucleotide variant.
Coding change: c.904G>C on transcript NM_000088.4 (MANE Select); coding-DNA position 904, G replaced by C.
Protein change: p.Gly302Arg; replaces glycine 302 with arginine.
Molecular consequence: missense variant.
Genome position (GRCh38, 1-based): chr17:50,196,367, C>G on the plus strand (G>C on the coding strand, the complement: COL1A1 is on the minus strand). VCF-style: chr17-50196367-C-G. GRCh37 (hg19) VCF-style: chr17-48273728-C-G.
Other names: short protein forms G302R.
Identifiers: ClinVar variation 3049020 (VCV003049020.2), dbSNP rs2509235669, ClinGen allele CA400221910.
Genomic context (GRCh38, chr17:50,196,367, plus strand): 5'-TACTTACAGCAGGGCCAGGGGCTCCAGGGCGACCTCTCTCACCAGGCAGGCCACGGGGGC[C>G]CTGACAACCAAACCAAGAGAAGTCAGATGAGATGGGAGACAGCCTTGTTCCCCCAGGCCT-3'
Protein context (NP_000079.2, residues 292-312): PGENGAPGQM[Gly302Arg]PRGLPGERGR